The following is an entry in ClinVar:

ClinVar aggregate classification (germline): Pathogenic (1 of 4 stars; one submission).

Conditions:
Familial adenomatous polyposis 3. Also called: NTHL1-associated polyposis; NTHL1-Related Adenomatous Polyposis and Colorectal Cancer; NTHL1-related attenuated familial adenomatous polyposis; NTHL1 Tumor Syndrome. Identifiers: Orphanet 220460, Orphanet 454840, MedGen C4225157, MONDO:0014630, OMIM 616415.

Submission:

Myriad Genetics, Inc.
Classification: Pathogenic for Familial adenomatous polyposis 3. Last evaluated: 2024-04-22. Review status: criteria provided, single submitter. Criteria: Myriad Autosomal Dominant, Autosomal Recessive and X-Linked Classification Criteria (2023). Collection method: clinical testing. Allele origin: unknown.
Comment: This variant is considered pathogenic. This variant creates a frameshift predicted to result in premature protein truncation.

NM_002528.7(NTHL1):c.618del (p.Pro207fs)

Gene: NTHL1 (nth like DNA glycosylase 1; minus strand). Cytogenetic location: 16p13.3.
Variant type: Deletion.
Coding change: c.618del on transcript NM_002528.7 (MANE Select); coding-DNA position 618, one base deleted (G; older notation c.618delG).
Protein change: p.Pro207fs; shifts the reading frame from proline 207.
Molecular consequence: frameshift variant.
Genome position (GRCh38, 1-based): chr16:2,043,634, C deleted on the plus strand (G on the coding strand, the reverse complement: NTHL1 is on the minus strand). VCF-style (leftmost placement, unchanged base first): chr16-2043633-GC-G. GRCh37 (hg19) VCF-style: chr16-2093634-GC-G.
Other names: c.447del, p.Pro150fs (NM_001318193.2); c.288del, p.Pro97fs (NM_001318194.2); short protein forms P150fs, P207fs, P97fs.
Identifiers: ClinVar variation 3254299 (VCV003254299.1), dbSNP rs2548315071.